The following is an entry in ClinVar:

NM_001318852.2(MAPK8IP3):c.3567T>G (p.Asn1189Lys)

Gene: MAPK8IP3 (mitogen-activated protein kinase 8 interacting protein 3; plus strand). Cytogenetic location: 16p13.3.
Variant type: single nucleotide variant.
Coding change: c.3567T>G on transcript NM_001318852.2 (MANE Select); coding-DNA position 3567, T replaced by G.
Protein change: p.Asn1189Lys; replaces asparagine 1189 with lysine.
Molecular consequence: missense variant.
Genome position (GRCh38, 1-based): chr16:1,768,203, T>G. VCF-style: chr16-1768203-T-G. GRCh37 (hg19) VCF-style: chr16-1818204-T-G.
Other names: c.3546T>G, p.Asn1182Lys (NM_001040439.2); c.3564T>G, p.Asn1188Lys (NM_015133.5, NM_033392.3); short protein forms N1182K, N1188K, N1189K.
Identifiers: ClinVar variation 2633182 (VCV002633182.1), dbSNP rs2548118720, ClinGen allele CA394238987.

ClinVar aggregate classification (germline): Uncertain significance (1 of 4 stars; one submission).

Conditions:
MAPK8IP3-related disorder. Also called: MAPK8IP3-related condition.

Allele frequency attached by ClinVar (database versions not stated): gnomAD exomes below 0.00001.
gnomAD v4.1: 1 of 1,612,382 alleles (0.000062%); highest among the groups gnomAD compares: African/African-American, 0.0013%; no homozygotes.

Submission:

PreventionGenetics, part of Exact Sciences
Classification: Uncertain significance for MAPK8IP3-related condition. Last evaluated: 2023-05-09. Review status: criteria provided, single submitter. Criteria: ACMG Guidelines, 2015. Collection method: clinical testing. Allele origin: germline.
Comment: The MAPK8IP3 c.3567T>G variant is predicted to result in the amino acid substitution p.Asn1189Lys. To our knowledge, this variant has not been reported in the literature or in a large population database, indicating this variant is rare. At this time, the clinical significance of this variant is uncertain due to the absence of conclusive functional and genetic evidence.